The following is an entry in ClinVar:

ClinVar aggregate classification (germline): Uncertain significance (1 of 4 stars; one submission).

Conditions:
Inborn genetic diseases. Identifiers: MedGen C0950123, MeSH D030342.

Submission:

Ambry Genetics
Classification: Uncertain significance for Inborn genetic diseases. Last evaluated: 2024-12-22. Review status: criteria provided, single submitter. Criteria: Ambry Variant Classification Scheme 2023. Collection method: clinical testing. Allele origin: germline.
Comment: The p.A105D variant (also known as c.314C>A), located in coding exon 2 of the ERCC6L2 gene, results from a C to A substitution at nucleotide position 314. The alanine at codon 105 is replaced by aspartic acid, an amino acid with dissimilar properties. This amino acid position is conserved. In addition, this alteration is predicted to be tolerated by in silico analysis. Based on the available evidence, the clinical significance of this variant remains unclear.

NM_020207.7(ERCC6L2):c.314C>A (p.Ala105Asp)

Gene: ERCC6L2 (ERCC excision repair 6 like 2; plus strand). Cytogenetic location: 9q22.32.
Variant type: single nucleotide variant.
Coding change: c.314C>A on transcript NM_020207.7 (MANE Select); coding-DNA position 314, C replaced by A.
Protein change: p.Ala105Asp; replaces alanine 105 with aspartic acid.
Molecular consequence: missense variant. On other transcripts: non-coding transcript variant (1).
Genome position (GRCh38, 1-based): chr9:95,881,136, C>A. VCF-style: chr9-95881136-C-A. GRCh37 (hg19) VCF-style: chr9-98643418-C-A.
Other names: c.314C>A, p.Ala105Asp (NM_001010895.4, NM_001375291.1, NM_001375292.1 and 2 more transcripts); short protein forms A105D.
Identifiers: ClinVar variation 3845823 (VCV003845823.1).